The following is an entry in ClinVar:

ClinVar aggregate classification (germline): Uncertain significance (1 of 4 stars; one submission).

Conditions:
Adams-Oliver syndrome 5 (AOS5). Identifiers: Orphanet 974, MedGen C4014970, MONDO:0014459, OMIM 616028.

Submission:

Labcorp Genetics (formerly Invitae), Labcorp
Classification: Uncertain significance for Adams-Oliver syndrome 5. Last evaluated: 2022-05-13. Review status: criteria provided, single submitter. Criteria: Invitae Variant Classification Sherloc (09022015). Collection method: clinical testing. Allele origin: germline.
Comment: This sequence change replaces glutamic acid, which is acidic and polar, with glutamine, which is neutral and polar, at codon 1305 of the NOTCH1 protein (p.Glu1305Gln). This variant is not present in population databases (gnomAD no frequency). This variant has not been reported in the literature in individuals affected with NOTCH1-related conditions. Advanced modeling of protein sequence and biophysical properties (such as structural, functional, and spatial information, amino acid conservation, physicochemical variation, residue mobility, and thermodynamic stability) performed at Invitae indicates that this missense variant is not expected to disrupt NOTCH1 protein function. In summary, the available evidence is currently insufficient to determine the role of this variant in disease. Therefore, it has been classified as a Variant of Uncertain Significance.

NM_017617.5(NOTCH1):c.3913G>C (p.Glu1305Gln)

Gene: NOTCH1 (notch receptor 1; minus strand). Cytogenetic location: 9q34.3.
Variant type: single nucleotide variant.
Coding change: c.3913G>C on transcript NM_017617.5 (MANE Select); coding-DNA position 3913, G replaced by C.
Protein change: p.Glu1305Gln; replaces glutamic acid 1305 with glutamine.
Molecular consequence: missense variant.
Genome position (GRCh38, 1-based): chr9:136,506,628, C>G on the plus strand (G>C on the coding strand, the complement: NOTCH1 is on the minus strand). VCF-style: chr9-136506628-C-G. GRCh37 (hg19) VCF-style: chr9-139401080-C-G.
Other names: short protein forms E1305Q.
Identifiers: ClinVar variation 1993960 (VCV001993960.4), dbSNP rs775602958, ClinGen allele CA375548903.
Genomic context (GRCh38, chr9:136,506,628, plus strand): 5'-CCACGGCGCAGGTGCCCCCATTCTTGCAGGGCTTGCCTTTGCAGCCATTGATGACGGACT[C>G]GCAGCGGCGCCCTAGGGGTAAGAGCAGGGCAGTGAGAGGCTCACCCTGCTGCCCCACACG-3'
Protein context (NP_060087.3, residues 1295-1315): CRAGHTGRRC[Glu1305Gln]SVINGCKGKP